The following is an entry in ClinVar:

ClinVar aggregate classification (germline): Uncertain significance. Review status: criteria provided, multiple submitters, no conflicts (2 of 4 stars). 3 submissions from 3 submitters: Uncertain significance (3). Last evaluated 2024-10-31.

Allele frequency attached by ClinVar (database versions not stated): gnomAD 0.00004 and 0.00003; TOPMed 0.00005; ExAC 0.00003; gnomAD exomes 0.00003.
gnomAD v4.1: 56 of 1,613,630 alleles (0.0035%); highest among the groups gnomAD compares: Middle Eastern, 0.033%; no homozygotes.

Submissions (3):

Women's Health and Genetics/Laboratory Corporation of America, LabCorp
Classification: Uncertain significance. Last evaluated: 2024-10-31. Review status: criteria provided, single submitter. Criteria: LabCorp Variant Classification Summary - May 2015. Collection method: clinical testing. Allele origin: germline.
Comment: Variant summary: MYO18B c.6434G>A (p.Arg2145Gln) results in a conservative amino acid change in the encoded protein sequence. Five of five in-silico tools predict a benign effect of the variant on protein function. The variant allele was found at a frequency of 3.2e-05 in 248872 control chromosomes. The available data on variant occurrences in the general population are insufficient to allow any conclusion about variant significance. To our knowledge, no occurrence of c.6434G>A in individuals affected with Klippel-Feil Anomaly-Myopathy Dysmorphism Syndrome and no experimental evidence demonstrating its impact on protein function have been reported. ClinVar contains an entry for this variant (Variation ID: 1423164). Based on the evidence outlined above, the variant was classified as uncertain significance.

CeGaT Center for Human Genetics Tuebingen
Classification: Uncertain significance. Last evaluated: 2024-05-01. Review status: criteria provided, single submitter. Criteria: CeGaT Center For Human Genetics Tuebingen Variant Classification Criteria Version 2. Collection method: clinical testing. Allele origin: germline. Affected: yes. Observed: 1 variant allele.
Comment: MYO18B: PM2:Supporting, BP4

Labcorp Genetics (formerly Invitae), Labcorp
Classification: Uncertain significance. Last evaluated: 2022-07-29. Review status: criteria provided, single submitter. Criteria: Invitae Variant Classification Sherloc (09022015). Collection method: clinical testing. Allele origin: germline.
Comment: This sequence change replaces arginine, which is basic and polar, with glutamine, which is neutral and polar, at codon 2145 of the MYO18B protein (p.Arg2145Gln). This variant is present in population databases (rs758576166, gnomAD 0.006%). This variant has not been reported in the literature in individuals affected with MYO18B-related conditions. ClinVar contains an entry for this variant (Variation ID: 1423164). Algorithms developed to predict the effect of missense changes on protein structure and function output the following: SIFT: "Not Available"; PolyPhen-2: "Benign"; Align-GVGD: "Not Available". The glutamine amino acid residue is found in multiple mammalian species, which suggests that this missense change does not adversely affect protein function. In summary, the available evidence is currently insufficient to determine the role of this variant in disease. Therefore, it has been classified as a Variant of Uncertain Significance.

NM_032608.7(MYO18B):c.6434G>A (p.Arg2145Gln)

Gene: MYO18B (myosin XVIIIB; plus strand). Cytogenetic location: 22q12.1.
Variant type: single nucleotide variant.
Coding change: c.6434G>A on transcript NM_032608.7 (MANE Select); coding-DNA position 6434, G replaced by A.
Protein change: p.Arg2145Gln; replaces arginine 2145 with glutamine.
Molecular consequence: missense variant.
Genome position (GRCh38, 1-based): chr22:26,004,819, G>A. VCF-style: chr22-26004819-G-A. GRCh37 (hg19) VCF-style: chr22-26400785-G-A.
Other names: c.6437G>A, p.Arg2146Gln (NM_001318245.2); short protein forms R2145Q, R2146Q.
Identifiers: ClinVar variation 1423164 (VCV001423164.25), dbSNP rs758576166, ClinGen allele CA10161521.